The following is an entry in ClinVar:

ClinVar aggregate classification (germline): Uncertain significance (1 of 4 stars; one submission).

Conditions:
Hereditary cancer-predisposing syndrome. Also called: Tumor predisposition; Hereditary Cancer Syndrome; Neoplastic Syndromes, Hereditary; Hereditary neoplastic syndrome. Identifiers: Orphanet 140162, MedGen C0027672, MeSH D009386, MONDO:0015356.

Submission:

Ambry Genetics
Classification: Uncertain significance for Hereditary cancer-predisposing syndrome. Last evaluated: 2024-02-09. Review status: criteria provided, single submitter. Criteria: Ambry Variant Classification Scheme 2023. Collection method: clinical testing. Allele origin: germline.
Comment: The p.G971E variant (also known as c.2912G>A), located in coding exon 4 of the MSH6 gene, results from a G to A substitution at nucleotide position 2912. The glycine at codon 971 is replaced by glutamic acid, an amino acid with similar properties. This amino acid position is highly conserved in available vertebrate species. In addition, this alteration is predicted to be deleterious by in silico analysis. Based on the available evidence, the clinical significance of this alteration remains unclear.

NM_000179.3(MSH6):c.2912G>A (p.Gly971Glu)

Gene: MSH6 (mutS homolog 6; plus strand). Cytogenetic location: 2p16.3.
Variant type: single nucleotide variant.
Coding change: c.2912G>A on transcript NM_000179.3 (MANE Select); coding-DNA position 2912, G replaced by A.
Protein change: p.Gly971Glu; replaces glycine 971 with glutamic acid.
Molecular consequence: missense variant.
Genome position (GRCh38, 1-based): chr2:47,800,895, G>A. VCF-style: chr2-47800895-G-A. GRCh37 (hg19) VCF-style: chr2-48028034-G-A.
Other names: c.2522G>A, p.Gly841Glu (NM_001281492.2); c.2006G>A, p.Gly669Glu (NM_001281494.2, NM_001281493.2); short protein forms G669E, G841E, G971E.
Identifiers: ClinVar variation 821979 (VCV000821979.4), dbSNP rs1572729225, ClinGen allele CA346756162.